The following is an entry in ClinVar:

ClinVar aggregate classification (germline): Likely benign. Review status: criteria provided, single submitter (1 of 4 stars). 2 submissions from 2 submitters: Likely benign (1). 1 of the submissions does not count toward it. Last evaluated 2025-03-05.

Conditions:
CCDC141-related disorder. Also called: CCDC141-related condition.

Allele frequency attached by ClinVar (database versions not stated): ExAC 0.00048; 1000 Genomes Project 0.00140; 1000 Genomes Project 30x 0.00141; gnomAD 0.00186.
gnomAD v4.1: 569 of 1,550,362 alleles (0.037%); highest among the groups gnomAD compares: African/African-American, 0.65%; 2 homozygotes.

Submissions (2):

Labcorp Genetics (formerly Invitae), Labcorp
Classification: Likely benign. Last evaluated: 2025-03-05. Review status: criteria provided, single submitter. Criteria: Invitae Variant Classification Sherloc (09022015). Collection method: clinical testing. Allele origin: germline.

PreventionGenetics, part of Exact Sciences
Classification: Likely benign for CCDC141-related condition. Last evaluated: 2019-11-25. Review status: no assertion criteria provided. Collection method: clinical testing. Allele origin: germline. Not counted in ClinVar's aggregate classification.
Comment: This variant is classified as likely benign based on ACMG/AMP sequence variant interpretation guidelines (Richards et al. 2015 PMID: 25741868, with internal and published modifications).

NM_173648.4(CCDC141):c.1600G>A (p.Val534Ile)

Gene: CCDC141 (coiled-coil domain containing 141; minus strand). Cytogenetic location: 2q31.2.
Variant type: single nucleotide variant.
Coding change: c.1600G>A on transcript NM_173648.4 (MANE Select); coding-DNA position 1600, G replaced by A.
Protein change: p.Val534Ile; replaces valine 534 with isoleucine.
Molecular consequence: missense variant.
Genome position (GRCh38, 1-based): chr2:178,885,020, C>T on the plus strand (G>A on the coding strand, the complement: CCDC141 is on the minus strand). VCF-style: chr2-178885020-C-T. GRCh37 (hg19) VCF-style: chr2-179749747-C-T.
Other names: c.1600G>A (NM_173648.3); c.1600G>A, p.Val534Ile (NM_001316745.2); short protein forms V534I.
Identifiers: ClinVar variation 2712183 (VCV002712183.5), dbSNP rs112292444, ClinGen allele CA2007238.